The following is an entry in ClinVar:

NM_001267550.2(TTN):c.24891G>T (p.Trp8297Cys)

Gene: TTN (titin; minus strand). Cytogenetic location: 2q31.2.
Variant type: single nucleotide variant.
Coding change: c.24891G>T on transcript NM_001267550.2 (MANE Select); coding-DNA position 24891, G replaced by T.
Protein change: p.Trp8297Cys; replaces tryptophan 8297 with cysteine.
Molecular consequence: missense variant. On other transcripts: intron variant (3).
Genome position (GRCh38, 1-based): chr2:178,718,115, C>A on the plus strand (G>T on the coding strand, the complement: TTN is on the minus strand). VCF-style: chr2-178718115-C-A. GRCh37 (hg19) VCF-style: chr2-179582842-C-A.
Other names: c.23940G>T, p.Trp7980Cys (NM_001256850.1); c.21159G>T, p.Trp7053Cys (NM_133378.4); c.13282+19967G>T (NM_003319.4); c.13858+19967G>T (NM_133437.4); c.13657+19967G>T (NM_133432.3); short protein forms W8297C, W7980C.
Identifiers: ClinVar variation 167799 (VCV000167799.17), dbSNP rs727504205, ClinGen allele CA235147.

ClinVar aggregate classification (germline): Conflicting classifications of pathogenicity. Review status: criteria provided, conflicting classifications (1 of 4 stars). 4 submissions from 4 submitters: Likely pathogenic (1); Uncertain significance (3). Last evaluated 2025-08-12.

Conditions:
Dilated cardiomyopathy 1G (CMD1G). Identifiers: Orphanet 154, MedGen C1858763, MONDO:0011400, OMIM 604145.
Autosomal recessive limb-girdle muscular dystrophy type 2J (LGMDR10). Also called: MUSCULAR DYSTROPHY, LIMB-GIRDLE, AUTOSOMAL RECESSIVE 10; Limb-girdle muscular dystrophy, type 2J. Identifiers: Orphanet 140922, MedGen C1837342, MONDO:0012127, OMIM 608807.
Tibial muscular dystrophy (TMD). Also called: Udd Distal Myopathy – Tibial Muscular Dystrophy; Tibial muscular dystrophy, tardive; UDD MYOPATHY. Identifiers: Orphanet 609, MedGen C1838244, MONDO:0010870, OMIM 600334.
Myopathy, myofibrillar, 9, with early respiratory failure (MFM9). Also called: Hereditary myopathy with early respiratory failure; EDSTROM MYOPATHY; Myopathy, distal, with early respiratory failure, autosomal dominant; MYOPATHY, PROXIMAL, WITH EARLY RESPIRATORY MUSCLE INVOLVEMENT. Identifiers: Orphanet 178464, Orphanet 34521, MedGen C1863599, MONDO:0011362, OMIM 603689.
Early-onset myopathy with fatal cardiomyopathy (CMYO5). Also called: CONGENITAL MYOPATHY 5 WITH CARDIOMYOPATHY; Salih Myopathy. Identifiers: Orphanet 289377, MedGen C2673677, MONDO:0012714, OMIM 611705. Disease mechanism: loss of function.
Hypertrophic cardiomyopathy 9. Also called: Familial hypertrophic cardiomyopathy 9. Identifiers: MedGen C1861065, MONDO:0013412, OMIM 613765.

Allele frequency attached by ClinVar (database versions not stated): gnomAD exomes below 0.00001.
gnomAD v4.1: 3 of 1,611,992 alleles (0.00019%); highest among the groups gnomAD compares: Non-Finnish European, 0.00025%; no homozygotes.

Submissions (4):

Labcorp Genetics (formerly Invitae), Labcorp
Classification: Likely pathogenic for Dilated cardiomyopathy 1G; Autosomal recessive limb-girdle muscular dystrophy type 2J. Last evaluated: 2025-08-12. Review status: criteria provided, single submitter. Criteria: Invitae Variant Classification Sherloc (09022015). Collection method: clinical testing. Allele origin: germline.
Comment: This sequence change replaces tryptophan, which is neutral and slightly polar, with cysteine, which is neutral and slightly polar, at codon 8297 of the TTN protein (p.Trp8297Cys). This variant is not present in population databases (gnomAD no frequency). This missense change has been observed in individual(s) with clinical features of autosomal recessive neuromuscular conditions (PMID: 32528171, 33146414; internal data). In at least one individual the data is consistent with being in trans (on the opposite chromosome) from a pathogenic variant. This variant is also known as c.21159G>T p.W7053C. ClinVar contains an entry for this variant (Variation ID: 167799). Experimental studies and prediction algorithms are not available or were not evaluated, and the functional significance of this variant is currently unknown. This variant is located in the I band of TTN (PMID: 25589632). Non-truncating variants in this region may be clinically relevant, but have not been definitively shown to cause cardiomyopathy or neuromuscular disease (PMID: 27493940, 32778822). In summary, the currently available evidence indicates that the variant is pathogenic, but additional data are needed to prove that conclusively. Therefore, this variant has been classified as Likely Pathogenic.

Revvity Omics, Revvity
Classification: Uncertain significance. Last evaluated: 2023-02-27. Review status: criteria provided, single submitter. Criteria: ACMG Guidelines, 2015. Collection method: clinical testing. Allele origin: germline.

Baylor Genetics
Classification: Uncertain significance for Myopathy, myofibrillar, 9, with early respiratory failure; Hypertrophic cardiomyopathy 9; Dilated cardiomyopathy 1G; Tibial muscular dystrophy; Autosomal recessive limb-girdle muscular dystrophy type 2J; Early-onset myopathy with fatal cardiomyopathy. Last evaluated: 2017-09-01. Review status: criteria provided, single submitter. Criteria: ACMG Guidelines, 2015. Collection method: clinical testing. Allele origin: maternal. Inheritance: Autosomal unknown.

Eurofins Ntd Llc (ga)
Classification: Uncertain significance. Last evaluated: 2015-12-22. Review status: criteria provided, single submitter. Criteria: EGL Classification Definitions 2015. Collection method: clinical testing. Allele origin: germline. Observed: 1 variant allele, 1 heterozygote.

Literature cited by the submitters: PubMed 32528171 (cited by Labcorp Genetics (formerly Invitae), Labcorp); PubMed 33146414 (cited by Labcorp Genetics (formerly Invitae), Labcorp); PubMed 25589632 (cited by Labcorp Genetics (formerly Invitae), Labcorp); PubMed 27493940 (cited by Labcorp Genetics (formerly Invitae), Labcorp); PubMed 32778822 (cited by Labcorp Genetics (formerly Invitae), Labcorp); PubMed 25326635 (cited by Baylor Genetics).